The following is an entry in ClinVar:

ClinVar aggregate classification (germline): Uncertain significance (1 of 4 stars; one submission).

Submission:

Ambry Genetics
Classification: Uncertain significance. Last evaluated: 2022-03-01. Review status: criteria provided, single submitter. Criteria: Ambry Variant Classification Scheme 2023. Collection method: clinical testing. Allele origin: germline.
Comment: The p.D612E variant (also known as c.1836C>G), located in coding exon 18 of the KIF1B gene, results from a C to G substitution at nucleotide position 1836. The aspartic acid at codon 612 is replaced by glutamic acid, an amino acid with highly similar properties. This amino acid position is conserved. In addition, the in silico prediction for this alteration is inconclusive. Since supporting evidence is limited at this time, the clinical significance of this alteration remains unclear.

NM_001365951.3(KIF1B):c.1974C>G (p.Asp658Glu)

Gene: KIF1B (kinesin family member 1B; plus strand). Cytogenetic location: 1p36.22.
Variant type: single nucleotide variant.
Coding change: c.1974C>G on transcript NM_001365951.3 (MANE Select); coding-DNA position 1974, C replaced by G.
Protein change: p.Asp658Glu; replaces aspartic acid 658 with glutamic acid.
Molecular consequence: missense variant.
Genome position (GRCh38, 1-based): chr1:10,297,009, C>G. VCF-style: chr1-10297009-C-G. GRCh37 (hg19) VCF-style: chr1-10357067-C-G.
Other names: c.1974C>G, p.Asp658Glu (NM_001365952.1); c.1836C>G, p.Asp612Glu (NM_001365953.1, NM_015074.3, NM_183416.4); short protein forms D612E, D658E.
Identifiers: ClinVar variation 1781045 (VCV001781045.2), dbSNP rs2521402750, ClinGen allele CA338317081.